The following is an entry in ClinVar:

NM_138694.4(PKHD1):c.2555G>A (p.Trp852Ter)

Gene: PKHD1 (PKHD1 ciliary IPT domain containing fibrocystin/polyductin; minus strand). Cytogenetic location: 6p12.2.
Variant type: single nucleotide variant.
Coding change: c.2555G>A on transcript NM_138694.4 (MANE Select); coding-DNA position 2555, G replaced by A.
Protein change: p.Trp852Ter; replaces tryptophan 852 with a stop codon.
Molecular consequence: nonsense.
Genome position (GRCh38, 1-based): chr6:52,046,041, C>T on the plus strand (G>A on the coding strand, the complement: PKHD1 is on the minus strand). VCF-style: chr6-52046041-C-T. GRCh37 (hg19) VCF-style: chr6-51910839-C-T.
Other names: c.2555G>A, p.Trp852Ter (NM_170724.3); short protein forms W852*.
Identifiers: ClinVar variation 2078338 (VCV002078338.4), dbSNP rs2533120316, ClinGen allele CA364443096.
Genomic context (GRCh38, chr6:52,046,041, plus strand): 5'-ACTAGAAGGGATACTATACATACCCTGATAAAATTGGGCAAATCCCCAATCTGAGTGGAC[C>T]AGGACAAGGTCCACACGTGTTCGTAGCAAGTGTATAGATCCTCCTTCACAGTGAAGTCAC-3'

ClinVar aggregate classification (germline): Pathogenic (1 of 4 stars; one submission).

Conditions:
Autosomal recessive polycystic kidney disease (ARPKD). Also called: AR polycystic kidney disease. Identifiers: Orphanet 731, Orphanet 8378, MedGen C0085548, MeSH D017044, MONDO:0009889.

Allele frequency attached by ClinVar (database versions not stated): gnomAD exomes below 0.00001.
gnomAD v4.1: 1 of 1,613,744 alleles (0.000062%); highest among the groups gnomAD compares: South Asian, 0.0011%; no homozygotes.

Submission:

Labcorp Genetics (formerly Invitae), Labcorp
Classification: Pathogenic for Autosomal recessive polycystic kidney disease. Last evaluated: 2022-01-11. Review status: criteria provided, single submitter. Criteria: Invitae Variant Classification Sherloc (09022015). Collection method: clinical testing. Allele origin: germline.
Comment: For these reasons, this variant has been classified as Pathogenic. Algorithms developed to predict the effect of sequence changes on RNA splicing suggest that this variant may create or strengthen a splice site. This variant has not been reported in the literature in individuals affected with PKHD1-related conditions. This variant is not present in population databases (gnomAD no frequency). This sequence change creates a premature translational stop signal (p.Trp852*) in the PKHD1 gene. It is expected to result in an absent or disrupted protein product. Loss-of-function variants in PKHD1 are known to be pathogenic (PMID: 19940839).

Literature cited by the submitters: PubMed 19940839.